The following is an entry in ClinVar:

ClinVar aggregate classification (germline): Uncertain significance. Review status: criteria provided, multiple submitters, no conflicts (2 of 4 stars). 2 submissions from 2 submitters: Uncertain significance (2). Last evaluated 2023-12-13.

Conditions:
Wilson disease (WND). Also called: Wilson's disease. Identifiers: Orphanet 905, MedGen C0019202, MONDO:0010200, OMIM 277900. Disease mechanism: loss of function.

Allele frequency attached by ClinVar (database versions not stated): ExAC 0.00001; TOPMed 0.00001.
gnomAD v4.1: 1 of 1,613,874 alleles (0.000062%); highest among the groups gnomAD compares: Non-Finnish European, 0.000085%; no homozygotes.

Submissions (2):

All of Us Research Program, National Institutes of Health
Classification: Uncertain significance for Wilson disease. Last evaluated: 2023-12-13. Review status: criteria provided, single submitter. Criteria: ACMG Guidelines, 2015. Collection method: clinical testing. Allele origin: germline. Inheritance: Autosomal recessive inheritance. Observed: 1 variant allele, 1 heterozygote.
Comment: This missense variant replaces threonine with proline at codon 369 of the ATP7B protein. Computational prediction suggests that this variant may have deleterious impact on protein structure and function (internally defined REVEL score threshold >= 0.7, PMID: 27666373). To our knowledge, functional studies have not been reported for this variant. This variant has not been reported in individuals affected with ATP7B-related disorders in the literature. This variant has been identified in 1/249496 chromosomes in the general population by the Genome Aggregation Database (gnomAD). The available evidence is insufficient to determine the role of this variant in disease conclusively. Therefore, this variant is classified as a Variant of Uncertain Significance.

This study involves interpretation of variants in research participants for the purpose of population health screening. Participant phenotype was not available at the time of variant classification. Additional details can be found in publication PMID: 35346344, PMCID: PMC8962531

Labcorp Genetics (formerly Invitae), Labcorp
Classification: Uncertain significance for Wilson disease. Last evaluated: 2022-06-27. Review status: criteria provided, single submitter. Criteria: Invitae Variant Classification Sherloc (09022015). Collection method: clinical testing. Allele origin: germline.
Comment: This sequence change replaces threonine, which is neutral and polar, with proline, which is neutral and non-polar, at codon 369 of the ATP7B protein (p.Thr369Pro). This variant is present in population databases (rs756437932, gnomAD 0.0009%). This variant has not been reported in the literature in individuals affected with ATP7B-related conditions. Algorithms developed to predict the effect of missense changes on protein structure and function (SIFT, PolyPhen-2, Align-GVGD) all suggest that this variant is likely to be tolerated. In summary, the available evidence is currently insufficient to determine the role of this variant in disease. Therefore, it has been classified as a Variant of Uncertain Significance.

NM_000053.4(ATP7B):c.1105A>C (p.Thr369Pro)

Gene: ATP7B (ATPase copper transporting beta; minus strand). Cytogenetic location: 13q14.3.
Variant type: single nucleotide variant.
Coding change: c.1105A>C on transcript NM_000053.4 (MANE Select); coding-DNA position 1105, A replaced by C.
Protein change: p.Thr369Pro; replaces threonine 369 with proline.
Molecular consequence: missense variant. On other transcripts: intron variant (1).
Genome position (GRCh38, 1-based): chr13:51,974,115, T>G on the plus strand (A>C on the coding strand, the complement: ATP7B is on the minus strand). VCF-style: chr13-51974115-T-G. GRCh37 (hg19) VCF-style: chr13-52548251-T-G.
Other names: c.1105A>C, p.Thr369Pro (NM_001005918.3, NM_001330578.2, NM_001330579.2 and 29 more transcripts); c.1009A>C, p.Thr337Pro (NM_001406530.1, NM_001406536.1, NM_001406517.1 and 3 more transcripts); c.803-31A>C (NM_001243182.2); short protein forms T369P, T337P.
Identifiers: ClinVar variation 1911929 (VCV001911929.3), dbSNP rs756437932, ClinGen allele CA6989442.